The following is an entry in ClinVar:

ClinVar aggregate classification (germline): Uncertain significance (1 of 4 stars; one submission).

Conditions:
Norman-Roberts syndrome (LIS2). Also called: Lissencephaly 2 (Norman-Roberts type). Identifiers: Orphanet 89844, MedGen C0796089, MONDO:0009760, OMIM 257320.
Familial temporal lobe epilepsy 7. Identifiers: Orphanet 101046, MedGen C4225327, MONDO:0014639, OMIM 616436.

gnomAD v4.1: 1 of 1,613,910 alleles (0.000062%); highest among the groups gnomAD compares: South Asian, 0.0011%; no homozygotes.

Submission:

Labcorp Genetics (formerly Invitae), Labcorp
Classification: Uncertain significance for Familial temporal lobe epilepsy 7; Norman-Roberts syndrome. Last evaluated: 2025-04-26. Review status: criteria provided, single submitter. Criteria: Invitae Variant Classification Sherloc (09022015). Collection method: clinical testing. Allele origin: germline.
Comment: This sequence change replaces glycine, which is neutral and non-polar, with glutamic acid, which is acidic and polar, at codon 388 of the RELN protein (p.Gly388Glu). The frequency data for this variant in the population databases is considered unreliable, as metrics indicate poor data quality at this position in the gnomAD database. This variant has not been reported in the literature in individuals affected with RELN-related conditions. Invitae Evidence Modeling of protein sequence and biophysical properties (such as structural, functional, and spatial information, amino acid conservation, physicochemical variation, residue mobility, and thermodynamic stability) indicates that this missense variant is not expected to disrupt RELN protein function with a negative predictive value of 80%. In summary, the available evidence is currently insufficient to determine the role of this variant in disease. Therefore, it has been classified as a Variant of Uncertain Significance.

NM_005045.4(RELN):c.1163G>A (p.Gly388Glu)

Gene: RELN (reelin; minus strand). Cytogenetic location: 7q22.1.
Variant type: single nucleotide variant.
Coding change: c.1163G>A on transcript NM_005045.4 (MANE Select); coding-DNA position 1163, G replaced by A.
Protein change: p.Gly388Glu; replaces glycine 388 with glutamic acid.
Molecular consequence: missense variant.
Genome position (GRCh38, 1-based): chr7:103,682,242, C>T on the plus strand (G>A on the coding strand, the complement: RELN is on the minus strand). VCF-style: chr7-103682242-C-T. GRCh37 (hg19) VCF-style: chr7-103322689-C-T.
Other names: c.1163G>A, p.Gly388Glu (NM_173054.3); short protein forms G388E.
Identifiers: ClinVar variation 4791350 (VCV004791350.1).